The following is an entry in ClinVar:

NM_000097.7(CPOX):c.1210A>G (p.Lys404Glu)

Gene: CPOX (coproporphyrinogen oxidase; minus strand). Cytogenetic location: 3q11.2.
Variant type: single nucleotide variant.
Coding change: c.1210A>G on transcript NM_000097.7 (MANE Select); coding-DNA position 1210, A replaced by G.
Protein change: p.Lys404Glu; replaces lysine 404 with glutamic acid.
Molecular consequence: missense variant.
Genome position (GRCh38, 1-based): chr3:98,581,474, T>C on the plus strand (A>G on the coding strand, the complement: CPOX is on the minus strand). VCF-style: chr3-98581474-T-C. GRCh37 (hg19) VCF-style: chr3-98300318-T-C.
Other names: NM_000097.7(CPOX):c.1210A>G; c.1210A>G, p.Lys404Glu (LRG_1077t1); short protein forms K404E.
Identifiers: ClinVar variation 453 (VCV000000453.16), dbSNP rs121917868, ClinGen allele CA114297.

ClinVar aggregate classification (germline): Pathogenic/Likely pathogenic. Review status: criteria provided, multiple submitters, no conflicts (2 of 4 stars). 8 submissions from 8 submitters: Pathogenic (3); Likely pathogenic (4). 1 of the submissions does not count toward it. Last evaluated 2025-12-29.

Conditions:
Harderoporphyria (HARPO). Identifiers: Orphanet 659672, MedGen C0342859, MONDO:0030048, OMIM 618892.
Hereditary coproporphyria (HCP). Also called: Hereditary coproporphyria porphyria; Porphyria hepatica coproporphyria; Porphyria hepatica II; CPRO deficiency; COPROPORPHYRINOGEN OXIDASE DEFICIENCY; CPO DEFICIENCY. Identifiers: Orphanet 79273, MedGen C0162531, MONDO:0007369, OMIM 121300.
CPOX-related neurovisceral and phototoxic porphyria. Also called: CPOX-related hereditary coproporphyria. Identifiers: MedGen CN322458, MONDO:0800180.

Allele frequency attached by ClinVar (database versions not stated): TOPMed 0.00008; gnomAD 0.00009 and 0.00008; gnomAD exomes 0.00004 and 0.00006; ExAC 0.00005.

Submissions (8):

Center for Genomic Medicine, Rigshospitalet, Copenhagen University Hospital
Classification: Pathogenic. Last evaluated: 2025-12-29. Review status: criteria provided, single submitter. Criteria: ACMG Guidelines, 2015. Collection method: clinical testing. Allele origin: germline.
Comment: Classification criteria: PP3, PM2_Supporting, PS4_Moderate, PS3, PP4

Labcorp Genetics (formerly Invitae), Labcorp
Classification: Pathogenic. Last evaluated: 2025-10-02. Review status: criteria provided, single submitter. Criteria: Invitae Variant Classification Sherloc (09022015). Collection method: clinical testing. Allele origin: germline.
Comment: This sequence change replaces lysine, which is basic and polar, with glutamic acid, which is acidic and polar, at codon 404 of the CPOX protein (p.Lys404Glu). This variant is present in population databases (rs121917868, gnomAD 0.009%). This missense change has been observed in individual(s) with harderoporphyria (PMID: 7757079, 9454777, 16159891). It has also been observed to segregate with disease in related individuals. This variant is also known as K304E. ClinVar contains an entry for this variant (Variation ID: 453). Invitae Evidence Modeling of protein sequence and biophysical properties (such as structural, functional, and spatial information, amino acid conservation, physicochemical variation, residue mobility, and thermodynamic stability) indicates that this missense variant is expected to disrupt CPOX protein function with a positive predictive value of 80%. Experimental studies have shown that this missense change affects CPOX function (PMID: 16159891, 24078084). For these reasons, this variant has been classified as Pathogenic.

Broad Center for Mendelian Genomics, Broad Institute of MIT and Harvard
Classification: Likely pathogenic for Harderoporphyria. Last evaluated: 2023-01-25. Review status: criteria provided, single submitter. Criteria: ACMG Guidelines, 2015. Collection method: curation. Allele origin: germline. Inheritance: Autosomal recessive inheritance.
Comment: The p.Lys404Glu variant in CPOX has been previously reported in three unrelated individuals with harderoporphyria (PMID: 16159891, PMID: 9454777, PMID: 7757079) and segregated with disease in three affected individuals from one family (PMID: 7757079), but has been identified in 0.008% (2/24962) of African/African American chromosomes by the Genome Aggregation Database (gnomAD; dbSNP ID: rs121917868). Although this variant has been seen in the general population in a heterozygous state, its frequency is low enough to be consistent with a recessive carrier frequency. This variant has also been reported in ClinVar (Variation ID: 453) and was interpreted as pathogenic by Invitae and OMIM and as likely pathogenic by GeneDx and PerkinElmer Genomics. Of the three affected individuals previously reported (PMID: 16159891, PMID: 9454777, PMID: 7757079), two were homozygotes (PMID: 16159891, PMID: 7757079) and one was a compound heterozygote who carried a variant of uncertain significance in trans (PMID: 9454777, ClinVar Variation ID: 457), which increases the likelihood that the p.Lys404Glu variant is pathogenic. In vitro functional studies provide some evidence that the p.Lys404Glu variant may slightly impact protein function (PMID: 24078084, PMID: 16159891, PMID: 7757079). However, these types of assays may not accurately represent biological function. Computational prediction tools and conservation analyses suggest that this variant may impact the protein, though this information is not predictive enough to determine pathogenicity. In summary, although additional studies are required to fully establish its clinical significance, this variant meets criteria to be classified as likely pathogenic for autosomal recessive harderoporphyria. ACMG/AMP Criteria applied: PM3, PM2_Supporting, PS3_Supporting, PP1, PP3 (Richards 2015).

Department of Pathology and Laboratory Medicine, Sinai Health System
Classification: Pathogenic for CPOX-related hereditary coproporphyria. Last evaluated: 2022-03-10. Review status: criteria provided, single submitter. Criteria: ACMG Guidelines, 2015. Collection method: research. Allele origin: germline.

Fulgent Genetics
Classification: Likely pathogenic for Hereditary coproporphyria; Harderoporphyria. Last evaluated: 2022-01-23. Review status: criteria provided, single submitter. Criteria: ACMG Guidelines, 2015. Collection method: clinical testing. Allele origin: unknown.

Revvity Omics, Revvity
Classification: Likely pathogenic. Last evaluated: 2020-05-08. Review status: criteria provided, single submitter. Criteria: ACMG Guidelines, 2015. Collection method: clinical testing. Allele origin: germline.

GeneDx
Classification: Likely pathogenic. Last evaluated: 2017-06-26. Review status: criteria provided, single submitter. Criteria: GeneDx Variant Classification (06012015). Collection method: clinical testing. Allele origin: germline. Affected: yes.
Comment: The K404E variant in the CPOX gene has been reported previously along with another variant in an individual with harderoporphyria with severe hemolytic anemia with splenomegaly and compensatory hyperactive bone marrow. Carrier parents and sister were clinically unaffected but showed a decrease in CPOX activity (Lamoril et al., 1998). The K404E variant, also referred to as K304E using alternate nomenclature, was also reported in three siblings with harderoporphyria. The variant was assumed to be homozygous due to absence of the normal allele and decreased CPOX enzyme activity in the affected siblings, and the heterozygous state of the father along with parental enzyme studies demonstrating heterozygosity for the same enzymatic defect in both parents. DNA was not obtained from the mother (Lamoril et al., 1995). In functional studies, the K404E mutant enzyme exhibits reduced enzyme activity compared to wild type enzyme (Kim et al., 2013; Lamoril et al., 1995). The K404E variant is observed in 4/66724 (0.006%) alleles in the ExAC dataset, and no homozygous individuals were reported (Lek et al., 2016). The K404E variant is a non-conservative amino acid substitution, which is likely to impact secondary protein structure as these residues differ in polarity, charge, size and/or other properties. This substitution occurs at a position that is conserved across species. We interpret K404E as a likely pathogenic variant.

OMIM
Classification: Pathogenic for HARDEROPORPHYRIA. Last evaluated: 1998-02-15. Review status: no assertion criteria provided. Collection method: literature only. Allele origin: germline. Not counted in ClinVar's aggregate classification.

Literature cited by the submitters: PubMed 7757079 (cited by 3 submitters); PubMed 9454777 (cited by 3 submitters); PubMed 16159891 (cited by 4 submitters); PubMed 24078084 (cited by 3 submitters); PubMed 6886003 (cited by OMIM); PubMed 8286403 (cited by OMIM); PubMed 7987309 (cited by OMIM).